The following is an entry in ClinVar:

NM_015404.4(WHRN):c.1466A>G (p.Glu489Gly)

Gene: WHRN (whirlin; minus strand). Cytogenetic location: 9q32.
Variant type: single nucleotide variant.
Coding change: c.1466A>G on transcript NM_015404.4 (MANE Select); coding-DNA position 1466, A replaced by G.
Protein change: p.Glu489Gly; replaces glutamic acid 489 with glycine.
Molecular consequence: missense variant.
Genome position (GRCh38, 1-based): chr9:114,423,474, T>C on the plus strand (A>G on the coding strand, the complement: WHRN is on the minus strand). VCF-style: chr9-114423474-T-C. GRCh37 (hg19) VCF-style: chr9-117185754-T-C.
Other names: c.317A>G, p.Glu106Gly (NM_001083885.3); c.1466A>G, p.Glu489Gly (NM_001173425.2); c.413A>G, p.Glu138Gly (NM_001346890.1); short protein forms E106G, E138G, E489G.
Identifiers: ClinVar variation 2114721 (VCV002114721.4), dbSNP rs2491766124, ClinGen allele CA374607540.

ClinVar aggregate classification (germline): Uncertain significance (1 of 4 stars; one submission).

Submission:

Labcorp Genetics (formerly Invitae), Labcorp
Classification: Uncertain significance. Last evaluated: 2025-01-13. Review status: criteria provided, single submitter. Criteria: Invitae Variant Classification Sherloc (09022015). Collection method: clinical testing. Allele origin: germline.
Comment: This sequence change replaces glutamic acid, which is acidic and polar, with glycine, which is neutral and non-polar, at codon 489 of the WHRN protein (p.Glu489Gly). This variant is not present in population databases (gnomAD no frequency). This variant has not been reported in the literature in individuals affected with WHRN-related conditions. ClinVar contains an entry for this variant (Variation ID: 2114721). An algorithm developed to predict the effect of missense changes on protein structure and function (PolyPhen-2) suggests that this variant is likely to be tolerated. In summary, the available evidence is currently insufficient to determine the role of this variant in disease. Therefore, it has been classified as a Variant of Uncertain Significance.